The following is an entry in ClinVar:

NM_000748.3(CHRNB2):c.955C>G (p.Leu319Val)

Gene: CHRNB2 (cholinergic receptor nicotinic beta 2 subunit; plus strand). Cytogenetic location: 1q21.3.
Variant type: single nucleotide variant.
Coding change: c.955C>G on transcript NM_000748.3 (MANE Select); coding-DNA position 955, C replaced by G.
Protein change: p.Leu319Val; replaces leucine 319 with valine.
Molecular consequence: missense variant.
Genome position (GRCh38, 1-based): chr1:154,571,778, C>G. VCF-style: chr1-154571778-C-G. GRCh37 (hg19) VCF-style: chr1-154544254-C-G.
Other names: short protein forms L319V.
Identifiers: ClinVar variation 2714282 (VCV002714282.3), dbSNP rs2526370911, ClinGen allele CA342631182.

ClinVar aggregate classification (germline): Uncertain significance (1 of 4 stars; one submission).

Conditions:
Familial sleep-related hypermotor epilepsy. Also called: Autosomal Dominant Sleep-Related Hypermotor (Hyperkinetic) Epilepsy. Identifiers: Orphanet 98784, MedGen C3696898, MONDO:0000030.

Submission:

Labcorp Genetics (formerly Invitae), Labcorp
Classification: Uncertain significance. Last evaluated: 2023-06-14. Review status: criteria provided, single submitter. Criteria: Invitae Variant Classification Sherloc (09022015). Collection method: clinical testing. Allele origin: germline.
Comment: This variant has not been reported in the literature in individuals affected with CHRNB2-related conditions. In summary, the available evidence is currently insufficient to determine the role of this variant in disease. Therefore, it has been classified as a Variant of Uncertain Significance. Advanced modeling of protein sequence and biophysical properties (such as structural, functional, and spatial information, amino acid conservation, physicochemical variation, residue mobility, and thermodynamic stability) performed at Invitae indicates that this missense variant is not expected to disrupt CHRNB2 protein function. This variant is not present in population databases (gnomAD no frequency). This sequence change replaces leucine, which is neutral and non-polar, with valine, which is neutral and non-polar, at codon 319 of the CHRNB2 protein (p.Leu319Val).